The following is an entry in ClinVar:

NM_152703.5(SAMD9L):c.2681G>A (p.Ser894Asn)

Gene: SAMD9L (sterile alpha motif domain containing 9 like; minus strand). Cytogenetic location: 7q21.2.
Variant type: single nucleotide variant.
Coding change: c.2681G>A on transcript NM_152703.5 (MANE Select); coding-DNA position 2681, G replaced by A.
Protein change: p.Ser894Asn; replaces serine 894 with asparagine.
Molecular consequence: missense variant.
Genome position (GRCh38, 1-based): chr7:93,133,291, C>T on the plus strand (G>A on the coding strand, the complement: SAMD9L is on the minus strand). VCF-style: chr7-93133291-C-T. GRCh37 (hg19) VCF-style: chr7-92762604-C-T.
Other names: c.2681G>A, p.Ser894Asn (NM_001303496.3, NM_001303497.3, NM_001303498.3 and 5 more transcripts); short protein forms S894N.
Identifiers: ClinVar variation 4630169 (VCV004630169.1).

ClinVar aggregate classification (germline): Uncertain significance (1 of 4 stars; one submission).

Conditions:
Inborn genetic diseases. Identifiers: MedGen C0950123, MeSH D030342.

Submission:

Ambry Genetics
Classification: Uncertain significance for Inborn genetic diseases. Last evaluated: 2025-12-12. Review status: criteria provided, single submitter. Criteria: Ambry Variant Classification Scheme 2023. Collection method: clinical testing. Allele origin: germline.
Comment: The p.S894N variant (also known as c.2681G>A), located in coding exon 1 of the SAMD9L gene, results from a G to A substitution at nucleotide position 2681. The serine at codon 894 is replaced by asparagine, an amino acid with highly similar properties. This amino acid position is conserved. In addition, this alteration is predicted to be tolerated by in silico analysis. Based on the available evidence, the clinical significance of this variant remains unclear.